The following is an entry in ClinVar:

NM_001130438.3(SPTAN1):c.662C>G (p.Pro221Arg)

Gene: SPTAN1 (spectrin alpha, non-erythrocytic 1; plus strand). Cytogenetic location: 9q34.11.
Variant type: single nucleotide variant.
Coding change: c.662C>G on transcript NM_001130438.3 (MANE Select); coding-DNA position 662, C replaced by G.
Protein change: p.Pro221Arg; replaces proline 221 with arginine.
Molecular consequence: missense variant.
Genome position (GRCh38, 1-based): chr9:128,576,833, C>G. VCF-style: chr9-128576833-C-G. GRCh37 (hg19) VCF-style: chr9-131339112-C-G.
Other names: c.662C>G, p.Pro221Arg (NM_001195532.2, NM_001363759.2, NM_001363765.2 and 5 more transcripts); c.698C>G, p.Pro233Arg (NM_001375312.2, NM_001375318.1); short protein forms P233R, P221R.
Identifiers: ClinVar variation 2697095 (VCV002697095.3), dbSNP rs2541043391, ClinGen allele CA375048024.

ClinVar aggregate classification (germline): Uncertain significance (1 of 4 stars; one submission).

Conditions:
Early-infantile DEE. Also called: Ohtahara syndrome; Early infantile epileptic encephalopathy with suppression bursts; Early infantile epileptic encephalopathy. Identifiers: Orphanet 1934, MedGen C0393706, MONDO:0800491.

Allele frequency attached by ClinVar (database versions not stated): gnomAD exomes below 0.00001.
gnomAD v4.1: 1 of 1,613,808 alleles (0.000062%); highest among the groups gnomAD compares: Non-Finnish European, 0.000085%; no homozygotes.

Submission:

Labcorp Genetics (formerly Invitae), Labcorp
Classification: Uncertain significance for Early-infantile DEE. Last evaluated: 2023-11-18. Review status: criteria provided, single submitter. Criteria: Invitae Variant Classification Sherloc (09022015). Collection method: clinical testing. Allele origin: germline.
Comment: This sequence change replaces proline, which is neutral and non-polar, with arginine, which is basic and polar, at codon 221 of the SPTAN1 protein (p.Pro221Arg). This variant is not present in population databases (gnomAD no frequency). This variant has not been reported in the literature in individuals affected with SPTAN1-related conditions. Advanced modeling of protein sequence and biophysical properties (such as structural, functional, and spatial information, amino acid conservation, physicochemical variation, residue mobility, and thermodynamic stability) has been performed at Invitae for this missense variant, however the output from this modeling did not meet the statistical confidence thresholds required to predict the impact of this variant on SPTAN1 protein function. In summary, the available evidence is currently insufficient to determine the role of this variant in disease. Therefore, it has been classified as a Variant of Uncertain Significance.